The following is an entry in ClinVar:

ClinVar aggregate classification (germline): Pathogenic (1 of 4 stars; one submission).

Conditions:
X-linked mixed hearing loss with perilymphatic gusher. Also called: Deafness, X-linked 2; NANCE DEAFNESS; PERILYMPHATIC GUSHER-DEAFNESS SYNDROME; SENSORINEURAL DEAFNESS, PROFOUND, WITH OR WITHOUT A CONDUCTIVE COMPONENT, ASSOCIATED WITH A UNIQUE DEVELOPMENTAL ABNORMALITY OF THE EAR; Gusher syndrome. Identifiers: Orphanet 383, MedGen C1844678, MONDO:0010576, OMIM 304400.

Submission:

Institute of Rare Diseases, West China Hospital, Sichuan University
Classification: Pathogenic for X-linked mixed hearing loss with perilymphatic gusher. Last evaluated: 2025-01-09. Review status: criteria provided, single submitter. Criteria: ClinGen HL ACMG Specifications v1. Collection method: research. Allele origin: germline. Affected: yes.
Comment: PM1;PVS1;PM2_Supporting

NM_000307.5(POU3F4):c.679_680insGA (p.Phe227Ter)

Gene: POU3F4 (POU class 3 homeobox 4; plus strand). Cytogenetic location: Xq21.1.
Variant type: Insertion.
Coding change: c.679_680insGA on transcript NM_000307.5 (MANE Select); coding-DNA positions 679 to 680, GA inserted.
Protein change: p.Phe227Ter; replaces phenylalanine 227 with a stop codon.
Molecular consequence: nonsense.
Genome position: GRCh38 VCF-style: chrX-83509003-T-TGA. GRCh37 (hg19) VCF-style: chrX-82764011-T-TGA.
Other names: short protein forms F227*.
Identifiers: ClinVar variation 3601667 (VCV003601667.1).